The following is an entry in ClinVar:

ClinVar aggregate classification (germline): Uncertain significance (1 of 4 stars; one submission).

Submission:

GeneDx
Classification: Uncertain significance. Last evaluated: 2024-12-20. Review status: criteria provided, single submitter. Criteria: GeneDx Variant Classification Process June 2021. Collection method: clinical testing. Allele origin: germline. Affected: yes.
Comment: Not observed at significant frequency in large population cohorts (gnomAD); In silico analysis indicates that this missense variant does not alter protein structure/function; Has not been previously published as pathogenic or benign to our knowledge

NM_016628.5(WAC):c.14C>G (p.Ala5Gly)

Genes: WAC (WW domain containing adaptor with coiled-coil; plus strand), LOC130003574 (ATAC-STARR-seq lymphoblastoid silent region 2253; plus strand). Cytogenetic location: 10p12.1.
Variant type: single nucleotide variant.
Coding change: c.14C>G on transcript NM_016628.5 (MANE Select); coding-DNA position 14, C replaced by G.
Protein change: p.Ala5Gly; replaces alanine 5 with glycine.
Molecular consequence: missense variant. On other transcripts: intron variant (1).
Genome position (GRCh38, 1-based): chr10:28,533,593, C>G. VCF-style: chr10-28533593-C-G. GRCh37 (hg19) VCF-style: chr10-28822522-C-G.
Other names: c.14C>G, p.Ala5Gly (NM_100486.4); c.-94-405C>G (NM_100264.3); short protein forms A5G.
Identifiers: ClinVar variation 3372922 (VCV003372922.2).
Genomic context (GRCh38, chr10:28,533,593, plus strand): 5'-CGGCCGCTCTCCCCCCTCCCCGACACACACTCACAGGCCGGGCATTGATGGTAATGTATG[C>G]GAGGAAACAGCAGAGACTCAGTGATGGGTAAATTGTCTTTTCGTTTCGGGCCGGGCGGCG-3'
Protein context (NP_057712.2, residues 1-15): MVMY[Ala5Gly]RKQQRLSDGC